The following is an entry in ClinVar:

NM_003680.4(YARS1):c.205-17C>A

Gene: YARS1 (tyrosyl-tRNA synthetase 1; minus strand). Cytogenetic location: 1p35.1.
Variant type: single nucleotide variant.
Coding change: c.205-17C>A on transcript NM_003680.4 (MANE Select); 17 bases into the intron before coding-DNA position 205, C replaced by A.
Molecular consequence: intron variant.
Genome position (GRCh38, 1-based): chr1:32,810,783, G>T on the plus strand (C>A on the coding strand, the complement: YARS1 is on the minus strand). VCF-style: chr1-32810783-G-T. GRCh37 (hg19) VCF-style: chr1-33276384-G-T.
Identifiers: ClinVar variation 387230 (VCV000387230.1), dbSNP rs1054282742, ClinGen allele CA16603616.

ClinVar aggregate classification (germline): Likely benign (1 of 4 stars; one submission).

Submission:

GeneDx
Classification: Likely benign. Last evaluated: 2016-06-26. Review status: criteria provided, single submitter. Criteria: GeneDx Variant Classification (06012015). Collection method: clinical testing. Allele origin: germline. Affected: yes.
Comment: This variant is considered likely benign or benign based on one or more of the following criteria: it is a conservative change, it occurs at a poorly conserved position in the protein, it is predicted to be benign by multiple in silico algorithms, and/or has population frequency not consistent with disease.